The following is an entry in ClinVar:

ClinVar aggregate classification (germline): Likely benign (1 of 4 stars; one submission).

Allele frequency attached by ClinVar (database versions not stated): 1000 Genomes Project 30x 0.00234; 1000 Genomes Project 0.00280; TOPMed 0.00509; gnomAD 0.00556; ExAC 0.00642; ESP Exome Variant Server 0.00654; gnomAD exomes 0.00752.
gnomAD v4.1: 11,792 of 1,614,134 alleles (0.73%); highest among the groups gnomAD compares: Non-Finnish European, 0.86%; 60 homozygotes.

Submission:

CeGaT Center for Human Genetics Tuebingen
Classification: Likely benign. Last evaluated: 2023-01-01. Review status: criteria provided, single submitter. Criteria: CeGaT Center For Human Genetics Tuebingen Variant Classification Criteria Version 2. Collection method: clinical testing. Allele origin: germline. Affected: yes. Observed: 1 variant allele.
Comment: ADAT1: BP4, BP7, BS2

NM_001324445.2(ADAT1):c.693C>T (p.His231=)

Gene: ADAT1 (adenosine deaminase tRNA specific 1; minus strand). Cytogenetic location: 16q23.1.
Variant type: single nucleotide variant.
Coding change: c.693C>T on transcript NM_001324445.2 (MANE Select); coding-DNA position 693, C replaced by T.
Protein change: p.His231=; no amino-acid change (histidine 231 retained).
Molecular consequence: synonymous variant.
Genome position (GRCh38, 1-based): chr16:75,612,593, G>A on the plus strand (C>T on the coding strand, the complement: ADAT1 is on the minus strand). VCF-style: chr16-75612593-G-A. GRCh37 (hg19) VCF-style: chr16-75646491-G-A.
Other names: c.246C>T, p.His82= (NM_001324444.2, NM_001324446.2, NM_001324450.2 and 1 more transcripts); c.693C>T, p.His231= (NM_001324448.2, NM_001324449.2, NM_012091.5); c.432C>T, p.His144= (NM_001324452.2, NM_001324453.2).
Identifiers: ClinVar variation 2646878 (VCV002646878.24), dbSNP rs117402310, ClinGen allele CA8176818.